The following is an entry in ClinVar:

NM_002336.3(LRP6):c.3810C>T (p.Cys1270=)

Gene: LRP6 (LDL receptor related protein 6; minus strand). Cytogenetic location: 12p13.2.
Variant type: single nucleotide variant.
Coding change: c.3810C>T on transcript NM_002336.3 (MANE Select); coding-DNA position 3810, C replaced by T.
Protein change: p.Cys1270=; no amino-acid change (cysteine 1270 retained).
Molecular consequence: synonymous variant.
Genome position (GRCh38, 1-based): chr12:12,131,981, G>A on the plus strand (C>T on the coding strand, the complement: LRP6 is on the minus strand). VCF-style: chr12-12131981-G-A. GRCh37 (hg19) VCF-style: chr12-12284915-G-A.
Other names: p.Cys1270=.
Identifiers: ClinVar variation 1237676 (VCV001237676.13), dbSNP rs1012672, ClinGen allele CA6455103.

ClinVar aggregate classification (germline): Benign. Review status: criteria provided, multiple submitters, no conflicts (2 of 4 stars). 4 submissions from 4 submitters: Benign (4). Last evaluated 2026-02-04.

Allele frequency attached by ClinVar (database versions not stated): TOPMed 0.05659; gnomAD 0.05706 and 0.05781; gnomAD exomes 0.06682 and 0.05902; ExAC 0.05819; 1000 Genomes Project 0.03934; 1000 Genomes Project 30x 0.04169; ESP Exome Variant Server 0.06305.
gnomAD v4.1: 106,650 of 1,613,826 alleles (6.6%); highest among the groups gnomAD compares: Middle Eastern, 14%; 3,898 homozygotes.

Submissions (4):

Labcorp Genetics (formerly Invitae), Labcorp
Classification: Benign. Last evaluated: 2026-02-04. Review status: criteria provided, single submitter. Criteria: Invitae Variant Classification Sherloc (09022015). Collection method: clinical testing. Allele origin: germline.

Mayo Clinic Laboratories, Mayo Clinic
Classification: Benign. Last evaluated: 2022-12-29. Review status: criteria provided, single submitter. Criteria: ACMG Guidelines, 2015. Collection method: clinical testing. Allele origin: germline. Observed: 91 variant alleles.
Comment: BA1, BP4

GeneDx
Classification: Benign. Last evaluated: 2020-11-17. Review status: criteria provided, single submitter. Criteria: GeneDx Variant Classification Process June 2021. Collection method: clinical testing. Allele origin: germline. Affected: yes.
Comment: This variant is associated with the following publications: (PMID: 17517621)

Breakthrough Genomics
Classification: Benign. Review status: criteria provided, single submitter. Criteria: ACMG Guidelines, 2015. Collection method: not provided. Allele origin: germline. Inheritance: Autosomal dominant inheritance. Affected: yes.